The following is an entry in ClinVar:

ClinVar aggregate classification (germline): Pathogenic/Likely pathogenic. Review status: criteria provided, multiple submitters, no conflicts (2 of 4 stars). 2 submissions from 2 submitters: Pathogenic (1); Likely pathogenic (1). Last evaluated 2026-04-21.

Conditions:
Thrombocytopenia. Identifiers: MedGen C0040034, MeSH D013921, MONDO:0002049, HP:0001873.
Pseudo von Willebrand disease (VWDP). Also called: BLEEDING DISORDER, PLATELET-TYPE, 3; Platelet-type von Willebrand disease. Identifiers: Orphanet 52530, MedGen C1280798, MONDO:0008332, OMIM 177820.

Submissions (2):

Women's Health and Genetics/Laboratory Corporation of America, LabCorp
Classification: Pathogenic for Pseudo von Willebrand disease. Last evaluated: 2026-04-21. Review status: criteria provided, single submitter. Criteria: LabCorp Variant Classification Summary - May 2015. Collection method: clinical testing. Allele origin: germline.
Comment: Variant summary: GP1BA c.745G>A (p.Gly249Ser) results in a non-conservative amino acid change in the encoded protein sequence. Algorithms developed to predict the effect of missense changes on protein structure and function are either unavailable or do not agree on the potential impact of this missense change. The variant was absent in 249268 control chromosomes. c.745G>A has been observed as heterozygous in individuals affected with Pseudo Von Willebrand Disease (Matsubara_2003, Nurden_2007, Downes_2019). These data indicate that the variant is likely to be associated with disease. A missense variant affecting the same codon (c.746G>T, p.Gly249Val) has been reported in 7 individuals in a family affected with Pseudo Von Willebrand Disease and has been shown to result in gain-of-function in transgenic mice expressing this variant and in both in in vivo and in vitro assays (PMID: 2052556, 18187573, 19808696). At least one publication reports experimental evidence evaluating an impact on protein function and the data again shows that this variant results in gain-of-function (Matsubara_2003). The following publications have been ascertained in the context of this evaluation (PMID: 31064749, 14521605, 17264965). ClinVar contains an entry for this variant (Variation ID: 627183). Based on the evidence outlined above, the variant was classified as pathogenic.

NIHR Bioresource Rare Diseases, University of Cambridge
Classification: Likely pathogenic for Thrombocytopenia. Last evaluated: 2019-02-01. Review status: criteria provided, single submitter. Criteria: ACMG Guidelines, 2015. Collection method: research. Allele origin: unknown. Affected: yes. Observed: 2 heterozygotes. Study: ThromboGenomics.

Literature cited by the submitters: PubMed 31064749 (cited by Women's Health and Genetics/Laboratory Corporation of America, LabCorp and NIHR Bioresource Rare Diseases, University of Cambridge); PubMed 14521605 (cited by Women's Health and Genetics/Laboratory Corporation of America, LabCorp); PubMed 17264965 (cited by Women's Health and Genetics/Laboratory Corporation of America, LabCorp).

NM_000173.7(GP1BA):c.745G>A (p.Gly249Ser)

Gene: GP1BA (glycoprotein Ib platelet subunit alpha; plus strand). Cytogenetic location: 17p13.2.
Variant type: single nucleotide variant.
Coding change: c.745G>A on transcript NM_000173.7 (MANE Select); coding-DNA position 745, G replaced by A.
Protein change: p.Gly249Ser; replaces glycine 249 with serine.
Molecular consequence: missense variant.
Genome position (GRCh38, 1-based): chr17:4,933,349, G>A. VCF-style: chr17-4933349-G-A. GRCh37 (hg19) VCF-style: chr17-4836644-G-A.
Other names: short protein forms G249S.
Identifiers: ClinVar variation 627183 (VCV000627183.3), dbSNP rs1597639057, ClinGen allele CA397318402.